The following is an entry in ClinVar:

NM_005236.3(ERCC4):c.389-330G>A

Gene: ERCC4 (ERCC excision repair 4, endonuclease catalytic subunit; plus strand). Cytogenetic location: 16p13.12.
Variant type: single nucleotide variant.
Coding change: c.389-330G>A on transcript NM_005236.3 (MANE Select); 330 bases into the intron before coding-DNA position 389, G replaced by A.
Molecular consequence: intron variant.
Genome position (GRCh38, 1-based): chr16:13,926,231, G>A. VCF-style: chr16-13926231-G-A. GRCh37 (hg19) VCF-style: chr16-14020088-G-A.
Identifiers: ClinVar variation 3341822 (VCV003341822.16).
Genomic context (GRCh38, chr16:13,926,231, plus strand): 5'-TGCCAGAAACACCCCACCCCAGGGCCTGTGCCCTCACTGTCCCCTCAGCCTGGCAGCCTG[G>A]AACTCTCTTGGCCCAGATGGTCACAAGGCTCCATCCAGCCTTTATTCAGATACCACCTTG-3'

ClinVar aggregate classification (germline): Uncertain significance (1 of 4 stars; one submission).

gnomAD v4.1: 2 of 152,224 alleles (0.0013%); highest among the groups gnomAD compares: African/African-American, 0.0048%; no homozygotes.

Submission:

CeGaT Center for Human Genetics Tuebingen
Classification: Uncertain significance. Last evaluated: 2024-09-01. Review status: criteria provided, single submitter. Criteria: CeGaT Center For Human Genetics Tuebingen Variant Classification Criteria Version 2. Collection method: clinical testing. Allele origin: germline. Affected: yes. Observed: 1 variant allele.
Comment: ERCC4: PM2